The following is an entry in ClinVar:

ClinVar aggregate classification (germline): Uncertain significance. Review status: criteria provided, multiple submitters, no conflicts (2 of 4 stars). 2 submissions from 2 submitters: Uncertain significance (2). Last evaluated 2025-10-29.

Allele frequency attached by ClinVar (database versions not stated): 1000 Genomes Project 30x 0.00016; gnomAD 0.00026 and 0.00029; ESP Exome Variant Server 0.00038.
gnomAD v4.1: 82 of 1,613,928 alleles (0.0051%); highest among the groups gnomAD compares: African/African-American, 0.095%; no homozygotes.

Submissions (2):

Ambry Genetics
Classification: Uncertain significance. Last evaluated: 2025-10-29. Review status: criteria provided, single submitter. Criteria: Ambry Variant Classification Scheme 2023. Collection method: clinical testing. Allele origin: germline.

Labcorp Genetics (formerly Invitae), Labcorp
Classification: Uncertain significance. Last evaluated: 2023-07-27. Review status: criteria provided, single submitter. Criteria: Invitae Variant Classification Sherloc (09022015). Collection method: clinical testing. Allele origin: germline.
Comment: This variant is present in population databases (rs140446652, gnomAD 0.08%), and has an allele count higher than expected for a pathogenic variant. This sequence change replaces valine, which is neutral and non-polar, with leucine, which is neutral and non-polar, at codon 207 of the MRPS2 protein (p.Val207Leu). In summary, the available evidence is currently insufficient to determine the role of this variant in disease. Therefore, it has been classified as a Variant of Uncertain Significance. Advanced modeling of protein sequence and biophysical properties (such as structural, functional, and spatial information, amino acid conservation, physicochemical variation, residue mobility, and thermodynamic stability) performed at Invitae indicates that this missense variant is not expected to disrupt MRPS2 protein function. ClinVar contains an entry for this variant (Variation ID: 1404582). This variant has not been reported in the literature in individuals affected with MRPS2-related conditions.

NM_016034.5(MRPS2):c.619G>T (p.Val207Leu)

Genes: MRPS2 (mitochondrial ribosomal protein S2; plus strand), LOC101928525 (uncharacterized LOC101928525; minus strand). Cytogenetic location: 9q34.3.
Variant type: single nucleotide variant.
Coding change: c.619G>T on transcript NM_016034.5 (MANE Select); coding-DNA position 619, G replaced by T.
Protein change: p.Val207Leu; replaces valine 207 with leucine.
Molecular consequence: missense variant. On other transcripts: non-coding transcript variant (4).
Genome position (GRCh38, 1-based): chr9:135,503,861, G>T. VCF-style: chr9-135503861-G-T. GRCh37 (hg19) VCF-style: chr9-138395707-G-T.
Other names: c.619G>T (NM_016034.3); c.619G>T, p.Val207Leu (NM_001371401.1); short protein forms V207L.
Identifiers: ClinVar variation 1404582 (VCV001404582.10), dbSNP rs140446652, ClinGen allele CA5323992.